The following is an entry in ClinVar:

ClinVar aggregate classification (germline): Likely benign (1 of 4 stars; one submission).

Allele frequency attached by ClinVar (database versions not stated): gnomAD 0.00001; ESP Exome Variant Server 0.00008; ExAC 0.00001; TOPMed 0.00001.
gnomAD v4.1: 8 of 1,612,580 alleles (0.0005%); highest among the groups gnomAD compares: Admixed American, 0.0017%; no homozygotes.

Submission:

GeneDx
Classification: Likely benign. Last evaluated: 2016-04-04. Review status: criteria provided, single submitter. Criteria: GeneDx Variant Classification (06012015). Collection method: clinical testing. Allele origin: germline. Affected: yes.
Comment: This variant is considered likely benign or benign based on one or more of the following criteria: it is a conservative change, it occurs at a poorly conserved position in the protein, it is predicted to be benign by multiple in silico algorithms, and/or has population frequency not consistent with disease.

NM_000507.4(FBP1):c.*4C>T

Gene: FBP1 (fructose-bisphosphatase 1; minus strand). Cytogenetic location: 9q22.32.
Variant type: single nucleotide variant.
Coding change: c.*4C>T on transcript NM_000507.4 (MANE Select); 4 bases downstream of the stop codon, C replaced by T.
Molecular consequence: 3 prime UTR variant.
Genome position (GRCh38, 1-based): chr9:94,603,377, G>A on the plus strand (C>T on the coding strand, the complement: FBP1 is on the minus strand). VCF-style: chr9-94603377-G-A. GRCh37 (hg19) VCF-style: chr9-97365659-G-A.
Other names: c.*4C>T (NM_001127628.2).
Identifiers: ClinVar variation 384873 (VCV000384873.1), dbSNP rs374715941, ClinGen allele CA5136048.
Genomic context (GRCh38, chr9:94,603,377, plus strand): 5'-TACTGCTGTGTGAGACAAAAGGTCCAGGTAGAGGCAATTCTCCGGATGCAGGCAGGGCAG[G>A]TGCTCACTGGGCAGAGTGCTTCTCATACACCTTCAGGAACTCGAGCACGTCGTCGGGGGA-3'